The following is an entry in ClinVar:

NM_004541.4(NDUFA1):c.158G>A (p.Arg53His)

Gene: NDUFA1 (NADH:ubiquinone oxidoreductase subunit A1; plus strand). Cytogenetic location: Xq24.
Variant type: single nucleotide variant.
Coding change: c.158G>A on transcript NM_004541.4 (MANE Select); coding-DNA position 158, G replaced by A.
Protein change: p.Arg53His; replaces arginine 53 with histidine.
Molecular consequence: missense variant.
Genome position (GRCh38, 1-based): chrX:119,873,359, G>A. VCF-style: chrX-119873359-G-A. GRCh37 (hg19) VCF-style: chrX-119007322-G-A.
Other names: short protein forms R53H.
Identifiers: ClinVar variation 2580100 (VCV002580100.3), dbSNP rs1202692911, ClinGen allele CA414190492.

ClinVar aggregate classification (germline): Uncertain significance. Review status: criteria provided, multiple submitters, no conflicts (2 of 4 stars). 3 submissions from 3 submitters: Uncertain significance (3). Last evaluated 2024-12-31.

Conditions:
Inborn genetic diseases. Identifiers: MedGen C0950123, MeSH D030342.

Allele frequency attached by ClinVar (database versions not stated): TOPMed below 0.00001; gnomAD 0.00001; gnomAD exomes 0.00002.
gnomAD v4.1: 25 of 1,207,887 alleles (0.0021%); highest among the groups gnomAD compares: Non-Finnish European, 0.0028%; no homozygotes.

Submissions (3):

Ambry Genetics
Classification: Uncertain significance for Inborn genetic diseases. Last evaluated: 2024-12-31. Review status: criteria provided, single submitter. Criteria: Ambry Variant Classification Scheme 2023. Collection method: clinical testing. Allele origin: germline.

GeneDx
Classification: Uncertain significance. Last evaluated: 2023-03-17. Review status: criteria provided, single submitter. Criteria: GeneDx Variant Classification Process June 2021. Collection method: clinical testing. Allele origin: germline. Affected: yes.
Comment: Has not been previously published as pathogenic or benign to our knowledge; Not observed at significant frequency in large population cohorts (gnomAD); In silico analysis supports that this missense variant has a deleterious effect on protein structure/function

Blueprint Genetics
Classification: Uncertain significance. Last evaluated: 2020-02-21. Review status: criteria provided, single submitter. Criteria: ACMG Guidelines, 2015. Collection method: clinical testing. Allele origin: germline.